The following is an entry in ClinVar:

ClinVar aggregate classification (germline): Likely pathogenic (1 of 4 stars; one submission).

Conditions:
Cardiovascular phenotype. Identifiers: MedGen CN230736.

Submission:

Ambry Genetics
Classification: Likely pathogenic for Cardiovascular phenotype. Last evaluated: 2026-06-15. Review status: criteria provided, single submitter. Criteria: Ambry Variant Classification Scheme 2023. Collection method: clinical testing. Allele origin: germline.
Comment: The c.30541delC (p.Q10181Rfs*37) alteration, located in exon 123 (coding exon 122) of the TTN gene, consists of a deletion of one nucleotide at position 30541, causing a translational frameshift with a predicted alternate stop codon after 37 amino acids. This variant is expected to result in loss of function by premature protein truncation or nonsense-mediated mRNA decay. This variant was not reported in population-based cohorts in the Genome Aggregation Database (gnomAD). This exon is located in the A-band region of the N2-B isoform of the titin protein and is constitutively expressed in TTN transcripts (percent spliced in or PSI 100%). While truncating variants in TTN are present in 1-3% of the general population, truncating variants in the A-band are the most common cause of dilated cardiomyopathy (Herman, 2012; Roberts, 2015). TTN truncating variants encoded in constitutive exons (PSI >90%) have been found to be significantly associated with DCM regardless of their position in titin (Schafer, 2017; Akhtar, 2020; Massier, 2025). Based on the available evidence, this alteration is classified as likely pathogenic.

NM_001267550.2(TTN):c.57736del (p.Gln19246fs)

Genes: TTN (titin; minus strand), TTN-AS1 (TTN antisense RNA 1; plus strand). Cytogenetic location: 2q31.2.
Variant type: Deletion.
Coding change: c.57736del on transcript NM_001267550.2 (MANE Select); coding-DNA position 57736, one base deleted (C; older notation c.57736delC).
Protein change: p.Gln19246fs; shifts the reading frame from glutamine 19246.
Molecular consequence: frameshift variant.
Genome position (GRCh38, 1-based): chr2:178,595,618, G deleted on the plus strand (C on the coding strand, the reverse complement: TTN is on the minus strand); the first of 2 consecutive G bases (chr2:178,595,618-178,595,619); deleting either gives the same sequence. VCF-style (leftmost placement, unchanged base first): chr2-178595617-TG-T. GRCh37 (hg19) VCF-style: chr2-179460344-TG-T.
Other names: c.52813del, p.Gln17605fs (NM_001256850.1); c.30541del, p.Gln10181fs (NM_003319.4); c.50032del, p.Gln16678fs (NM_133378.4); c.30916del, p.Gln10306fs (NM_133432.3); c.31117del, p.Gln10373fs (NM_133437.4); c.30541delC (NM_003319.4); short protein forms Q10306fs, Q16678fs, Q10181fs, Q10373fs, Q17605fs, Q19246fs.
Identifiers: ClinVar variation 5031527 (VCV005031527.1).